The following is an entry in ClinVar:

ClinVar aggregate classification (germline): Uncertain significance (1 of 4 stars; one submission).

Conditions:
Inborn genetic diseases. Identifiers: MedGen C0950123, MeSH D030342.

Submission:

Ambry Genetics
Classification: Uncertain significance for Inborn genetic diseases. Last evaluated: 2026-06-19. Review status: criteria provided, single submitter. Criteria: Ambry Variant Classification Scheme 2023. Collection method: clinical testing. Allele origin: germline.
Comment: The p.V1539M variant (also known as c.4615G>A), located in coding exon 13 of the ASXL1 gene, results from a G to A substitution at nucleotide position 4615. The valine at codon 1539 is replaced by methionine, an amino acid with highly similar properties. This amino acid position is conserved. In addition, the in silico prediction for this alteration is inconclusive. Based on the available evidence, the clinical significance of this variant remains unclear.

NM_015338.6(ASXL1):c.4615G>A (p.Val1539Met)

Gene: ASXL1 (ASXL transcriptional regulator 1; plus strand). Cytogenetic location: 20q11.21.
Variant type: single nucleotide variant.
Coding change: c.4615G>A on transcript NM_015338.6 (MANE Select); coding-DNA position 4615, G replaced by A.
Protein change: p.Val1539Met; replaces valine 1539 with methionine.
Molecular consequence: missense variant.
Genome position (GRCh38, 1-based): chr20:32,437,327, G>A. VCF-style: chr20-32437327-G-A. GRCh37 (hg19) VCF-style: chr20-31025130-G-A.
Other names: c.4432G>A, p.Val1478Met (NM_001363734.1); short protein forms V1478M, V1539M.
Identifiers: ClinVar variation 5029711 (VCV005029711.1).
Genomic context (GRCh38, chr20:32,437,327, plus strand): 5'-TGCGGTGCGTTCTGTCACGATGACTGTATTGGACCCTCAAAGCTCTGTGTATTGTGCCTT[G>A]TGGTGAGATAATAAATTATGGCCATGGGAAACATTGTATATTTAGTGTGTGTATTTTGAT-3'
Protein context (NP_056153.2, residues 1529-1541): GPSKLCVLCL[Val1539Met]VR